The following is an entry in ClinVar:

NM_001430.5(EPAS1):c.1816T>G (p.Ser606Ala)

Gene: EPAS1 (endothelial PAS domain protein 1; plus strand). Cytogenetic location: 2p21.
Variant type: single nucleotide variant.
Coding change: c.1816T>G on transcript NM_001430.5 (MANE Select); coding-DNA position 1816, T replaced by G.
Protein change: p.Ser606Ala; replaces serine 606 with alanine.
Molecular consequence: missense variant.
Genome position (GRCh38, 1-based): chr2:46,380,488, T>G. VCF-style: chr2-46380488-T-G. GRCh37 (hg19) VCF-style: chr2-46607627-T-G.
Other names: short protein forms S606A.
Identifiers: ClinVar variation 3508896 (VCV003508896.1).

ClinVar aggregate classification (germline): Uncertain significance (1 of 4 stars; one submission).

Conditions:
Inborn genetic diseases. Identifiers: MedGen C0950123, MeSH D030342.

Submission:

Ambry Genetics
Classification: Uncertain significance for Inborn genetic diseases. Last evaluated: 2024-10-11. Review status: criteria provided, single submitter. Criteria: Ambry Variant Classification Scheme 2023. Collection method: clinical testing. Allele origin: germline.
Comment: The p.S606A variant (also known as c.1816T>G), located in coding exon 12 of the EPAS1 gene, results from a T to G substitution at nucleotide position 1816. The serine at codon 606 is replaced by alanine, an amino acid with similar properties. This amino acid position is conserved. In addition, this alteration is predicted to be tolerated by in silico analysis. Based on the available evidence, the clinical significance of this variant remains unclear.